The following is an entry in ClinVar:

ClinVar aggregate classification (germline): Uncertain significance (1 of 4 stars; one submission).

Submission:

GeneDx
Classification: Uncertain significance. Last evaluated: 2026-02-27. Review status: criteria provided, single submitter. Criteria: GeneDx Variant Classification Process June 2021. Collection method: clinical testing. Allele origin: germline.
Comment: Not observed at significant frequency in large population cohorts (gnomAD); In silico analysis supports that this missense variant has a deleterious effect on protein structure/function; Has not been previously published as pathogenic or benign to our knowledge

NM_001967.4(EIF4A2):c.788C>T (p.Thr263Ile)

Gene: EIF4A2 (eukaryotic translation initiation factor 4A2; plus strand). Cytogenetic location: 3q27.3.
Variant type: single nucleotide variant.
Coding change: c.788C>T on transcript NM_001967.4 (MANE Select); coding-DNA position 788, C replaced by T.
Protein change: p.Thr263Ile; replaces threonine 263 with isoleucine.
Molecular consequence: missense variant.
Genome position (GRCh38, 1-based): chr3:186,787,143, C>T. VCF-style: chr3-186787143-C-T. GRCh37 (hg19) VCF-style: chr3-186504932-C-T.
Other names: short protein forms T263I.
Identifiers: ClinVar variation 5008185 (VCV005008185.1).
Genomic context (GRCh38, chr3:186,787,143, plus strand): 5'-GGAAAAACTAAATGACTGTTAACTTTAACTTCTAAACATTACAGGAATGGAAGTTGGATA[C>T]ACTTTGTGACTTGTACGAGACACTGACCATTACACAGGCTGTTATTTTTCTCAATACGAG-3'
Protein context (NP_001958.2, residues 253-273): NVEREEWKLD[Thr263Ile]LCDLYETLTI